The following is an entry in ClinVar:

ClinVar aggregate classification (germline): Uncertain significance (1 of 4 stars; one submission).

Conditions:
Cardiovascular phenotype. Identifiers: MedGen CN230736.

Submission:

Ambry Genetics
Classification: Uncertain significance for Cardiovascular phenotype. Last evaluated: 2025-08-19. Review status: criteria provided, single submitter. Criteria: Ambry Variant Classification Scheme 2023. Collection method: clinical testing. Allele origin: germline.
Comment: The p.L61P variant (also known as c.182T>C), located in coding exon 2 of the TBX20 gene, results from a T to C substitution at nucleotide position 182. The leucine at codon 61 is replaced by proline, an amino acid with similar properties. This amino acid position is conserved. In addition, the in silico prediction for this alteration is inconclusive. Based on the available evidence, the clinical significance of this variant remains unclear.

NM_001077653.2(TBX20):c.182T>C (p.Leu61Pro)

Gene: TBX20 (T-box transcription factor 20; minus strand). Cytogenetic location: 7p14.2.
Variant type: single nucleotide variant.
Coding change: c.182T>C on transcript NM_001077653.2 (MANE Select); coding-DNA position 182, T replaced by C.
Protein change: p.Leu61Pro; replaces leucine 61 with proline.
Molecular consequence: missense variant.
Genome position (GRCh38, 1-based): chr7:35,250,149, A>G on the plus strand (T>C on the coding strand, the complement: TBX20 is on the minus strand). VCF-style: chr7-35250149-A-G. GRCh37 (hg19) VCF-style: chr7-35289761-A-G.
Other names: c.182T>C, p.Leu61Pro (NM_001166220.1); short protein forms L61P.
Identifiers: ClinVar variation 4181262 (VCV004181262.1).